The following is an entry in ClinVar:

NM_002578.5(PAK3):c.554A>G (p.Asn185Ser)

Gene: PAK3 (p21 (RAC1) activated kinase 3; plus strand). Cytogenetic location: Xq23.
Variant type: single nucleotide variant.
Coding change: c.554A>G on transcript NM_002578.5 (MANE Select); coding-DNA position 554, A replaced by G.
Protein change: p.Asn185Ser; replaces asparagine 185 with serine.
Molecular consequence: missense variant. On other transcripts: non-coding transcript variant (2).
Genome position (GRCh38, 1-based): chrX:111,163,000, A>G. VCF-style: chrX-111163000-A-G. GRCh37 (hg19) VCF-style: chrX-110406228-A-G.
Other names: c.554A>G, p.Asn185Ser (NM_001128166.3, NM_001128167.3, NM_001324325.2 and 5 more transcripts); c.662A>G, p.Asn221Ser (NM_001128168.3); c.617A>G, p.Asn206Ser (NM_001128172.2); c.599A>G, p.Asn200Ser (NM_001128173.3, NM_001324327.2, NM_001324328.2 and 2 more transcripts); short protein forms N185S, N200S, N206S, N221S.
Identifiers: ClinVar variation 1304492 (VCV001304492.2), dbSNP rs751517340, ClinGen allele CA414236461.

ClinVar aggregate classification (germline): Uncertain significance (1 of 4 stars; one submission).

gnomAD v4.1: 1 of 1,207,998 alleles (0.000083%); highest among the groups gnomAD compares: Non-Finnish European, 0.00011%; no homozygotes.

Submission:

GeneDx
Classification: Uncertain significance. Last evaluated: 2019-01-25. Review status: criteria provided, single submitter. Criteria: GeneDx Variant Classification Process June 2021. Collection method: clinical testing. Allele origin: germline. Affected: yes.
Comment: Has not been previously published as pathogenic or benign to our knowledge; Not observed in large population cohorts (Lek et al., 2016); In silico analysis, which includes protein predictors and evolutionary conservation, supports that this variant does not alter protein structure/function